The following is an entry in ClinVar:

NM_177438.3(DICER1):c.4573G>A (p.Val1525Met)

Gene: DICER1 (dicer 1, ribonuclease III; minus strand). Cytogenetic location: 14q32.13.
Variant type: single nucleotide variant.
Coding change: c.4573G>A on transcript NM_177438.3 (MANE Select); coding-DNA position 4573, G replaced by A.
Protein change: p.Val1525Met; replaces valine 1525 with methionine.
Molecular consequence: missense variant. On other transcripts: non-coding transcript variant (6).
Genome position (GRCh38, 1-based): chr14:95,096,347, C>T on the plus strand (G>A on the coding strand, the complement: DICER1 is on the minus strand). VCF-style: chr14-95096347-C-T. GRCh37 (hg19) VCF-style: chr14-95562684-C-T.
Other names: c.4573G>A, p.Val1525Met (NM_001195573.1, NM_001271282.3, NM_001291628.2 and 13 more transcripts); c.4291G>A, p.Val1431Met (NM_001395686.1); c.4168G>A, p.Val1390Met (NM_001395687.1, NM_001395688.1, NM_001395689.1 and 2 more transcripts); c.4006G>A, p.Val1336Met (NM_001395691.1); c.2890G>A, p.Val964Met (NM_001395697.1); short protein forms V1390M, V1431M, V1336M, V1525M, V964M.
Identifiers: ClinVar variation 1741580 (VCV001741580.2), dbSNP rs2139847920, ClinGen allele CA390867785.
Genomic context (GRCh38, chr14:95,096,347, plus strand): 5'-AAATGGACTGCTTTCCCGTGTCAACACCACAGTTTTCTTCTGATGGATTCCAGAACCCCA[C>T]CACAAAGTCATCTTCTTCAACAGCTTTGCTAGGATCCAGATAGCACATTGCATCCCAAGA-3'
Protein context (NP_803187.1, residues 1515-1535): SKAVEEDDFV[Val1525Met]GFWNPSEENC

ClinVar aggregate classification (germline): Uncertain significance (1 of 4 stars; one submission).

Conditions:
Hereditary cancer-predisposing syndrome. Also called: Hereditary Cancer Syndrome; Hereditary neoplastic syndrome; Neoplastic Syndromes, Hereditary; Tumor predisposition. Identifiers: Orphanet 140162, MedGen C0027672, MeSH D009386, MONDO:0015356.

Submission:

Ambry Genetics
Classification: Uncertain significance for Hereditary cancer-predisposing syndrome. Last evaluated: 2021-12-31. Review status: criteria provided, single submitter. Criteria: Ambry Variant Classification Scheme 2023. Collection method: clinical testing. Allele origin: germline.
Comment: The p.V1525M variant (also known as c.4573G>A), located in coding exon 22 of the DICER1 gene, results from a G to A substitution at nucleotide position 4573. The valine at codon 1525 is replaced by methionine, an amino acid with highly similar properties. This amino acid position is highly conserved in available vertebrate species. In addition, this alteration is predicted to be deleterious by in silico analysis. Since supporting evidence is limited at this time, the clinical significance of this alteration remains unclear.